The following is an entry in ClinVar:

ClinVar aggregate classification (germline): Uncertain significance (1 of 4 stars; one submission).

Conditions:
Marfan syndrome (MFS). Also called: MARFAN SYNDROME, TYPE I; Marfan syndrome type 1; Marfan's syndrome; Marfan syndrome, classic; FBN1-Related Marfan Syndrome. Identifiers: Orphanet 284963, Orphanet 558, MedGen C0024796, MONDO:0007947, OMIM 154700.
Familial thoracic aortic aneurysm and aortic dissection (TAAD). Also called: Thoracic aortic aneurysms and dissections. Identifiers: Orphanet 91387, MedGen C4707243, MONDO:0019625.

Submission:

Labcorp Genetics (formerly Invitae), Labcorp
Classification: Uncertain significance for Marfan syndrome; Familial thoracic aortic aneurysm and aortic dissection. Last evaluated: 2024-12-20. Review status: criteria provided, single submitter. Criteria: Invitae Variant Classification Sherloc (09022015). Collection method: clinical testing. Allele origin: germline.
Comment: This sequence change falls in intron 18 of the FBN1 gene. It does not directly change the encoded amino acid sequence of the FBN1 protein. It affects a nucleotide within the consensus splice site. This variant is not present in population databases (gnomAD no frequency). This variant has been observed in individual(s) with Marfan syndrome (internal data). Variants that disrupt the consensus splice site are a relatively common cause of aberrant splicing (PMID: 17576681, 9536098). Algorithms developed to predict the effect of sequence changes on RNA splicing suggest that this variant may disrupt the consensus splice site. In summary, the available evidence is currently insufficient to determine the role of this variant in disease. Therefore, it has been classified as a Variant of Uncertain Significance.

Literature cited by the submitters: PubMed 17576681; PubMed 9536098.

NM_000138.5(FBN1):c.2167+3A>C

Gene: FBN1 (fibrillin 1; minus strand). Cytogenetic location: 15q21.1.
Variant type: single nucleotide variant.
Coding change: c.2167+3A>C on transcript NM_000138.5 (MANE Select); 3 bases into the intron after coding-DNA position 2167, A replaced by C.
Molecular consequence: intron variant.
Genome position (GRCh38, 1-based): chr15:48,498,982, T>G on the plus strand (A>C on the coding strand, the complement: FBN1 is on the minus strand). VCF-style: chr15-48498982-T-G. GRCh37 (hg19) VCF-style: chr15-48791179-T-G.
Other names: c.2167+3A>C (NM_001406716.1).
Identifiers: ClinVar variation 3760127 (VCV003760127.2).